The following is an entry in ClinVar:

NM_057175.5(NAA15):c.1087+2T>G

Gene: NAA15 (N-alpha-acetyltransferase 15, NatA auxiliary subunit; plus strand). Cytogenetic location: 4q31.1.
Variant type: single nucleotide variant.
Coding change: c.1087+2T>G on transcript NM_057175.5 (MANE Select); the canonical splice donor site of the intron after coding-DNA position 1087, T replaced by G.
Molecular consequence: splice donor variant.
Genome position (GRCh38, 1-based): chr4:139,354,100, T>G. VCF-style: chr4-139354100-T-G. GRCh37 (hg19) VCF-style: chr4-140275254-T-G.
Other names: c.1087+2T>G (NM_001410842.1).
Identifiers: ClinVar variation 955186 (VCV000955186.11), dbSNP rs1747866049, ClinGen allele CA358261837.

ClinVar aggregate classification (germline): Pathogenic. Review status: criteria provided, multiple submitters, no conflicts (2 of 4 stars). 2 submissions from 2 submitters: Pathogenic (2). Last evaluated 2019-09-20.

Conditions:
intellectual developmental disorder-50 with behavioral abnormalities (MRD50).

Submissions (2):

Labcorp Genetics (formerly Invitae), Labcorp
Classification: Pathogenic. Last evaluated: 2019-09-20. Review status: criteria provided, single submitter. Criteria: Invitae Variant Classification Sherloc (09022015). Collection method: clinical testing. Allele origin: germline.
Comment: For these reasons, this variant has been classified as Pathogenic. Donor and acceptor splice site variants typically lead to a loss of protein function (PMID: 16199547), and loss-of-function variants in NAA15 are known to be pathogenic (PMID: 28191889, 29656860). Disruption of this splice site has been observed in individual(s) with syndromic neurodevelopmental disorder (PMID: 29656860). In at least one individual the variant was observed to be de novo. This sequence change affects a donor splice site in intron 10 of the NAA15 gene. It is expected to disrupt RNA splicing and likely results in an absent or disrupted protein product. This variant is not present in population databases (ExAC no frequency).

Rady Children's Institute for Genomic Medicine, Rady Children's Hospital San Diego
Classification: Pathogenic for intellectual developmental disorder-50 with behavioral abnormalities (MRD50). Review status: criteria provided, single submitter. Criteria: ACMG Guidelines, 2015. Collection method: clinical testing. Allele origin: germline. Affected: yes. Study: CSER-NYCKidSeq.
Comment: This variant affects the canonical splice donor site of intron 10 of 19 and is therefore predicted to interfere with splicing and result in loss of normal protein function through either protein truncation or nonsense-mediated mRNA decay (NMD). This variant has been previously reported as a de novo change in a patient with developmental delay, intellectual disability, headaches, and mild growth hormone deficiency (PMID: 29656860). The NAA15 gene is constrained against loss-of-function variation (pLI = 1), and loss-of-function is an established mechanism of disease (PMID: 33557580, 29656860). It is absent from the gnomAD population database and thus is presumed to be rare. Multiple splice prediction tools suggest this variant is likely to interfere with normal splicing. Based on the available evidence, the c.1087+2T>G variant is classified as Pathogenic.

Literature cited by the submitters: PubMed 16199547 (cited by Labcorp Genetics (formerly Invitae), Labcorp); PubMed 28191889 (cited by Labcorp Genetics (formerly Invitae), Labcorp); PubMed 29656860 (cited by Labcorp Genetics (formerly Invitae), Labcorp).